The following is an entry in ClinVar:

ClinVar aggregate classification (germline): Uncertain significance (1 of 4 stars; one submission).

gnomAD v4.1: 5 of 1,613,598 alleles (0.00031%); highest among the groups gnomAD compares: Admixed American, 0.0017%; no homozygotes.

Submission:

Labcorp Genetics (formerly Invitae), Labcorp
Classification: Uncertain significance. Last evaluated: 2024-03-13. Review status: criteria provided, single submitter. Criteria: Invitae Variant Classification Sherloc (09022015). Collection method: clinical testing. Allele origin: germline.
Comment: This sequence change replaces proline, which is neutral and non-polar, with threonine, which is neutral and polar, at codon 1460 of the COL11A2 protein (p.Pro1460Thr). This variant is not present in population databases (gnomAD no frequency). This variant has not been reported in the literature in individuals affected with COL11A2-related conditions. ClinVar contains an entry for this variant (Variation ID: 2419276). Advanced modeling of protein sequence and biophysical properties (such as structural, functional, and spatial information, amino acid conservation, physicochemical variation, residue mobility, and thermodynamic stability) performed at Invitae indicates that this missense variant is not expected to disrupt COL11A2 protein function with a negative predictive value of 95%. In summary, the available evidence is currently insufficient to determine the role of this variant in disease. Therefore, it has been classified as a Variant of Uncertain Significance.

NM_080680.3(COL11A2):c.4378C>A (p.Pro1460Thr)

Gene: COL11A2 (collagen type XI alpha 2 chain; minus strand). Cytogenetic location: 6p21.32.
Variant type: single nucleotide variant.
Coding change: c.4378C>A on transcript NM_080680.3 (MANE Select); coding-DNA position 4378, C replaced by A.
Protein change: p.Pro1460Thr; replaces proline 1460 with threonine.
Molecular consequence: missense variant.
Genome position (GRCh38, 1-based): chr6:33,166,527, G>T on the plus strand (C>A on the coding strand, the complement: COL11A2 is on the minus strand). VCF-style: chr6-33166527-G-T. GRCh37 (hg19) VCF-style: chr6-33134304-G-T.
Other names: c.4057C>A, p.Pro1353Thr (NM_080679.3); c.4120C>A, p.Pro1374Thr (NM_080681.3); short protein forms P1353T, P1374T, P1460T.
Identifiers: ClinVar variation 2419276 (VCV002419276.7), dbSNP rs1043741488, ClinGen allele CA137062588.